The following is an entry in ClinVar:

NM_001846.4(COL4A2):c.3503G>A (p.Arg1168Gln)

Gene: COL4A2 (collagen type IV alpha 2 chain; plus strand). Cytogenetic location: 13q34.
Variant type: single nucleotide variant.
Coding change: c.3503G>A on transcript NM_001846.4 (MANE Select); coding-DNA position 3503, G replaced by A.
Protein change: p.Arg1168Gln; replaces arginine 1168 with glutamine.
Molecular consequence: missense variant.
Genome position (GRCh38, 1-based): chr13:110,492,118, G>A. VCF-style: chr13-110492118-G-A. GRCh37 (hg19) VCF-style: chr13-111144465-G-A.
Other names: c.3503G>A (NM_001846.3); short protein forms R1168Q.
Identifiers: ClinVar variation 1627740 (VCV001627740.17), dbSNP rs369072485, ClinGen allele CA7050232.

ClinVar aggregate classification (germline): Conflicting classifications of pathogenicity. Review status: criteria provided, conflicting classifications (1 of 4 stars). 3 submissions from 3 submitters: Uncertain significance (1); Likely benign (2). Last evaluated 2025-11-28.

Conditions:
COL4A2-related disorder. Also called: COL4A2-related disorders; COL4A2-related condition.

Allele frequency attached by ClinVar (database versions not stated): gnomAD 0.00011 and 0.00012; ESP Exome Variant Server 0.00017; TOPMed 0.00017; ExAC 0.00024.
gnomAD v4.1: 210 of 1,553,282 alleles (0.014%); highest among the groups gnomAD compares: Admixed American, 0.018%; no homozygotes.

Submissions (3):

PreventionGenetics, part of Exact Sciences
Classification: Uncertain significance for COL4A2-related condition. Last evaluated: 2025-11-28. Review status: criteria provided, single submitter. Criteria: ACMG Guidelines, 2015. Collection method: clinical testing. Allele origin: germline.
Comment: The COL4A2 c.3503G>A variant is predicted to result in the amino acid substitution p.Arg1168Gln. To our knowledge, this variant has not been reported in the literature. This variant is reported in 0.079% of alleles in individuals of Ashkenazi Jewish descent in gnomAD. At this time, the clinical significance of this variant is uncertain due to the absence of conclusive functional and genetic evidence.

Labcorp Genetics (formerly Invitae), Labcorp
Classification: Likely benign. Last evaluated: 2025-10-13. Review status: criteria provided, single submitter. Criteria: Invitae Variant Classification Sherloc (09022015). Collection method: clinical testing. Allele origin: germline.

CeGaT Center for Human Genetics Tuebingen
Classification: Likely benign. Last evaluated: 2025-06-01. Review status: criteria provided, single submitter. Criteria: CeGaT Center For Human Genetics Tuebingen Variant Classification Criteria Version 2. Collection method: clinical testing. Allele origin: germline. Affected: yes. Observed: 1 variant allele.
Comment: COL4A2: BS2